The following is an entry in ClinVar:

ClinVar aggregate classification (germline): Conflicting classifications of pathogenicity. Review status: criteria provided, conflicting classifications (1 of 4 stars). 5 submissions from 5 submitters: Uncertain significance (1); Likely benign (3). 1 of the submissions does not count toward it. Last evaluated 2026-01-19.

Conditions:
GIPC3-related disorder. Also called: GIPC3-related condition.
Autosomal recessive nonsyndromic hearing loss 15. Also called: DEAFNESS, AUTOSOMAL RECESSIVE 72; DEAFNESS, AUTOSOMAL RECESSIVE 95; DEAFNESS, AUTOSOMAL RECESSIVE 15. Identifiers: Orphanet 90636, MedGen C1866094, MONDO:0011160, OMIM 601869.

Allele frequency attached by ClinVar (database versions not stated): TOPMed 0.00020; 1000 Genomes Project 0.00040; ExAC 0.00054; 1000 Genomes Project 30x 0.00062; gnomAD 0.00009 and 0.00011; ESP Exome Variant Server 0.00015.

Submissions (5):

Labcorp Genetics (formerly Invitae), Labcorp
Classification: Likely benign. Last evaluated: 2026-01-19. Review status: criteria provided, single submitter. Criteria: Invitae Variant Classification Sherloc (09022015). Collection method: clinical testing. Allele origin: germline.

Department of Pathology and Laboratory Medicine, Sinai Health System
Classification: Uncertain significance for Autosomal recessive nonsyndromic hearing loss 15. Last evaluated: 2021-07-30. Review status: criteria provided, single submitter. Criteria: ACMG Guidelines, 2015. Collection method: research. Allele origin: germline.

GeneDx
Classification: Likely benign. Last evaluated: 2020-09-10. Review status: criteria provided, single submitter. Criteria: GeneDx Variant Classification Process June 2021. Collection method: clinical testing. Allele origin: germline. Affected: yes.

Laboratory for Molecular Medicine, Mass General Brigham Personalized Medicine
Classification: Likely benign. Last evaluated: 2015-06-23. Review status: criteria provided, single submitter. Criteria: LMM Criteria. Collection method: clinical testing. Allele origin: germline. Observed: 1 variant allele.
Comment: p.Ala291Thr in exon 6 of GIPC3: This variant is not expected to have clinical si gnificance because it has been identified in 0.6% (42/7424) of Latino chromosome s by the Exome Aggregation Consortium (ExAC; dbS NP rs199951984).

PreventionGenetics, part of Exact Sciences
Classification: Likely benign for GIPC3-related condition. Last evaluated: 2022-09-01. Review status: no assertion criteria provided. Collection method: clinical testing. Allele origin: germline. Not counted in ClinVar's aggregate classification.
Comment: This variant is classified as likely benign based on ACMG/AMP sequence variant interpretation guidelines (Richards et al. 2015 PMID: 25741868, with internal and published modifications).

NM_133261.3(GIPC3):c.871G>A (p.Ala291Thr)

Gene: GIPC3 (GIPC PDZ domain containing family member 3; plus strand). Cytogenetic location: 19p13.3.
Variant type: single nucleotide variant.
Coding change: c.871G>A on transcript NM_133261.3 (MANE Select); coding-DNA position 871, G replaced by A.
Protein change: p.Ala291Thr; replaces alanine 291 with threonine.
Molecular consequence: missense variant.
Genome position (GRCh38, 1-based): chr19:3,590,122, G>A. VCF-style: chr19-3590122-G-A. GRCh37 (hg19) VCF-style: chr19-3590120-G-A.
Other names: short protein forms A291T.
Identifiers: ClinVar variation 227384 (VCV000227384.17), dbSNP rs199951984, ClinGen allele CA9080623.